The following is an entry in ClinVar:

ClinVar aggregate classification (germline): Uncertain significance (1 of 4 stars; one submission).

Submission:

Labcorp Genetics (formerly Invitae), Labcorp
Classification: Uncertain significance. Last evaluated: 2022-07-06. Review status: criteria provided, single submitter. Criteria: Invitae Variant Classification Sherloc (09022015). Collection method: clinical testing. Allele origin: germline.
Comment: In summary, the available evidence is currently insufficient to determine the role of this variant in disease. Therefore, it has been classified as a Variant of Uncertain Significance. Variants that disrupt the consensus splice site are a relatively common cause of aberrant splicing (PMID: 17576681, 9536098). Algorithms developed to predict the effect of sequence changes on RNA splicing suggest that this variant is not likely to affect RNA splicing. This variant has not been reported in the literature in individuals affected with AP3D1-related conditions. This variant is not present in population databases (gnomAD no frequency). This sequence change falls in intron 23 of the AP3D1 gene. It does not directly change the encoded amino acid sequence of the AP3D1 protein. It affects a nucleotide within the consensus splice site.

Literature cited by the submitters: PubMed 17576681; PubMed 9536098.

NM_001261826.3(AP3D1):c.2680-3C>T

Gene: AP3D1 (adaptor related protein complex 3 subunit delta 1; minus strand). Cytogenetic location: 19p13.3.
Variant type: single nucleotide variant.
Coding change: c.2680-3C>T on transcript NM_001261826.3 (MANE Select); 3 bases into the intron before coding-DNA position 2680, C replaced by T.
Molecular consequence: intron variant.
Genome position (GRCh38, 1-based): chr19:2,112,970, G>A on the plus strand (C>T on the coding strand, the complement: AP3D1 is on the minus strand). VCF-style: chr19-2112970-G-A. GRCh37 (hg19) VCF-style: chr19-2112969-G-A.
Other names: c.2602-1142C>T (NM_003938.8); c.2680-39C>T (NM_001374799.1).
Identifiers: ClinVar variation 2088545 (VCV002088545.4), dbSNP rs2512142492, ClinGen allele CA2580096167.